The following is an entry in ClinVar:

ClinVar aggregate classification (germline): Likely benign (1 of 4 stars; one submission).

Submission:

CeGaT Center for Human Genetics Tuebingen
Classification: Likely benign. Last evaluated: 2026-07-01. Review status: criteria provided, single submitter. Criteria: CeGaT Center For Human Genetics Tuebingen Variant Classification Criteria Version 2. Collection method: clinical testing. Allele origin: germline. Affected: yes. Observed: 1 variant allele.
Comment: PIGQ: PM2:Supporting, BP4, BP7

NM_004204.5(PIGQ):c.*287G>A

Gene: PIGQ (phosphatidylinositol glycan anchor biosynthesis class Q; plus strand). Cytogenetic location: 16p13.3.
Variant type: single nucleotide variant.
Coding change: c.*287G>A on transcript NM_004204.5 (MANE Select); 287 bases downstream of the stop codon, G replaced by A.
Molecular consequence: 3 prime UTR variant. On other transcripts: synonymous variant (1).
Genome position (GRCh38, 1-based): chr16:583,322, G>A. VCF-style: chr16-583322-G-A. GRCh37 (hg19) VCF-style: chr16-633322-G-A.
Other names: c.1971G>A, p.Arg657= (NM_148920.4).
Identifiers: ClinVar variation 5039986 (VCV005039986.1).